The following is an entry in ClinVar:

NM_004522.3(KIF5C):c.969-186T>G

Gene: KIF5C (kinesin family member 5C; plus strand). Cytogenetic location: 2q23.1.
Variant type: single nucleotide variant.
Coding change: c.969-186T>G on transcript NM_004522.3 (MANE Select); 186 bases into the intron before coding-DNA position 969, T replaced by G.
Molecular consequence: intron variant.
Genome position (GRCh38, 1-based): chr2:148,961,785, T>G. VCF-style: chr2-148961785-T-G. GRCh37 (hg19) VCF-style: chr2-149818299-T-G.
Identifiers: ClinVar variation 682896 (VCV000682896.1), dbSNP rs73965227, ClinGen allele CA11163911.
Genomic context (GRCh38, chr2:148,961,785, plus strand): 5'-TTCGAATAAATGTTCATTAGATTTAGAGACCAGTGGGATGTGAAGGAGAAAAGGAAAGGA[T>G]GAGCTTGAGGCCTCAAGGGTTAGTGGTGCCGTTAGTCCAATTAGGAGGATGGTTGGTGAA-3'

ClinVar aggregate classification (germline): Benign (1 of 4 stars; one submission).

Allele frequency attached by ClinVar (database versions not stated): 1000 Genomes Project 0.10663; 1000 Genomes Project 30x 0.11165; gnomAD 0.11243 and 0.11651; TOPMed 0.12103.
gnomAD v4.1: 17,073 of 152,132 alleles (11%); highest among the groups gnomAD compares: African/African-American, 20%; 1,302 homozygotes.

Submission:

GeneDx
Classification: Benign. Last evaluated: 2018-06-16. Review status: criteria provided, single submitter. Criteria: GeneDx Variant Classification (06012015). Collection method: clinical testing. Allele origin: germline. Affected: yes.
Comment: This variant is considered likely benign or benign based on one or more of the following criteria: it is a conservative change, it occurs at a poorly conserved position in the protein, it is predicted to be benign by multiple in silico algorithms, and/or has population frequency not consistent with disease.